The following is an entry in ClinVar:

ClinVar aggregate classification (germline): Likely pathogenic (0 of 4 stars; one submission).

Conditions:
FRMD7-related disorder. Also called: FRMD7-related condition.

Submission:

PreventionGenetics, part of Exact Sciences
Classification: Likely pathogenic for FRMD7-related condition. Last evaluated: 2024-03-07. Review status: no assertion criteria provided. Collection method: clinical testing. Allele origin: germline.
Comment: The FRMD7 c.234_241dup8 variant is predicted to result in a frameshift and premature protein termination (p.Phe81Trpfs*2). To our knowledge, this variant has not been reported in the literature or in a large population database, indicating this variant is rare. Frameshift variants in FRMD7 are expected to be pathogenic. This variant is interpreted as likely pathogenic.

NM_194277.3(FRMD7):c.234_241dup (p.Phe81delinsTrpTer)

Gene: FRMD7 (FERM domain containing 7; minus strand). Cytogenetic location: Xq26.2.
Variant type: Duplication.
Coding change: c.234_241dup on transcript NM_194277.3 (MANE Select); coding-DNA positions 234 to 241, 8 bases duplicated (GGTGAAAT; older notation c.234_241dupGGTGAAAT).
Protein change: p.Phe81delinsTrpTer.
Molecular consequence: nonsense. On other transcripts: intron variant (1), frameshift variant (1).
Genome position (GRCh38, 1-based): chrX:132,097,309-132,097,316, ATTTCACC duplicated on the plus strand (GGTGAAAT on the coding strand, the reverse complement: FRMD7 is on the minus strand); duplicating any 8 consecutive bases within chrX:132,097,309-132,097,318 gives the same sequence; the c. name uses the placement nearest the transcript's 3' end. VCF-style (leftmost placement, unchanged base first): chrX-132097308-A-AATTTCACC. GRCh37 (hg19) VCF-style: chrX-131231336-A-AATTTCACC.
Other names: c.206-17_206-10dup (NM_001306193.2); c.234_241dup8 (NM_194277.2).
Identifiers: ClinVar variation 3350184 (VCV003350184.1).
Genomic context (GRCh38, chrX:132,097,308, plus strand): 5'-CACAGGTAATCACTATACCTTGTAAGTTCTTCCCGCAGATGTCCAGGGTCCACTGGGAAA[A>AATTTCACC]ATTTCACCATAAATTTGAAAACAATCTCCTTAGGATCTTAAAACACAATATCTCCATAAG-3'